The following is an entry in ClinVar:

NM_000834.5(GRIN2B):c.2434C>T (p.Gln812Ter)

Gene: GRIN2B (glutamate ionotropic receptor NMDA type subunit 2B; minus strand). Cytogenetic location: 12p13.1.
Variant type: single nucleotide variant.
Coding change: c.2434C>T on transcript NM_000834.5 (MANE Select); coding-DNA position 2434, C replaced by T.
Protein change: p.Gln812Ter; replaces glutamine 812 with a stop codon.
Molecular consequence: nonsense.
Genome position (GRCh38, 1-based): chr12:13,567,189, G>A on the plus strand (C>T on the coding strand, the complement: GRIN2B is on the minus strand). VCF-style: chr12-13567189-G-A. GRCh37 (hg19) VCF-style: chr12-13720123-G-A.
Other names: short protein forms Q812*.
Identifiers: ClinVar variation 979182 (VCV000979182.4), dbSNP rs1555103165, ClinGen allele CA383996483.

ClinVar aggregate classification (germline): Pathogenic. Review status: criteria provided, multiple submitters, no conflicts (2 of 4 stars). 2 submissions from 2 submitters: Pathogenic (2). Last evaluated 2023-08-30.

Conditions:
Intellectual developmental disorder, autosomal dominant 6, with or without seizures. Also called: Intellectual disability, autosomal dominant 6; GRIN2B-related developmental delay, intellectual disability and autism spectrum disorder. Identifiers: Orphanet 589547, MedGen C3151411, MONDO:0013509, OMIM 613970.
Developmental and epileptic encephalopathy, 27 (DEE27). Also called: Epileptic encephalopathy, early infantile, 27; GRIN2B-Related Neurodevelopmental Disorder. Identifiers: Orphanet 3451, MedGen C4015316, MONDO:0014505, OMIM 616139.

Submissions (2):

Labcorp Genetics (formerly Invitae), Labcorp
Classification: Pathogenic for Developmental and epileptic encephalopathy, 27; Intellectual developmental disorder, autosomal dominant 6, with or without seizures. Last evaluated: 2023-08-30. Review status: criteria provided, single submitter. Criteria: Invitae Variant Classification Sherloc (09022015). Collection method: clinical testing. Allele origin: germline.
Comment: This variant has not been reported in the literature in individuals affected with GRIN2B-related conditions. This sequence change creates a premature translational stop signal (p.Gln812*) in the GRIN2B gene. It is expected to result in an absent or disrupted protein product. Loss-of-function variants in GRIN2B are known to be pathogenic (PMID: 28377535). This variant is not present in population databases (gnomAD no frequency). ClinVar contains an entry for this variant (Variation ID: 979182). For these reasons, this variant has been classified as Pathogenic.

MVZ Martinsried, Medicover Genetics
Classification: Pathogenic for Intellectual developmental disorder, autosomal dominant 6, with or without seizures. Last evaluated: 2020-07-03. Review status: criteria provided, single submitter. Criteria: ACGS Guidelines, 2020. Collection method: clinical testing. Allele origin: de novo. Affected: yes.

Literature cited by the submitters: PubMed 28377535 (cited by Labcorp Genetics (formerly Invitae), Labcorp).